The following is an entry in ClinVar:

NM_000096.4(CP):c.2669A>G (p.Tyr890Cys)

Gene: CP (ceruloplasmin; minus strand). Cytogenetic location: 3q24.
Variant type: single nucleotide variant.
Coding change: c.2669A>G on transcript NM_000096.4 (MANE Select); coding-DNA position 2669, A replaced by G.
Protein change: p.Tyr890Cys; replaces tyrosine 890 with cysteine.
Molecular consequence: missense variant. On other transcripts: non-coding transcript variant (1).
Genome position (GRCh38, 1-based): chr3:149,178,624, T>C on the plus strand (A>G on the coding strand, the complement: CP is on the minus strand). VCF-style: chr3-149178624-T-C. GRCh37 (hg19) VCF-style: chr3-148896411-T-C.
Other names: short protein forms Y890C.
Identifiers: ClinVar variation 1495004 (VCV001495004.6), dbSNP rs576931228, ClinGen allele CA2660652.

ClinVar aggregate classification (germline): Uncertain significance (1 of 4 stars; one submission).

Conditions:
Deficiency of ferroxidase (ACEP). Also called: Aceruloplasminemia; NEURODEGENERATION WITH BRAIN IRON ACCUMULATION 10; Ceruloplasmin deficiency; Familial apoceruloplasmin deficiency; Hereditary ceruloplasmin deficiency; Deficiency of ceruloplasmin. Identifiers: Orphanet 48818, MedGen C0878682, MONDO:0011426, OMIM 604290, HP:0025498.

Allele frequency attached by ClinVar (database versions not stated): gnomAD exomes below 0.00001 and 0.00002; gnomAD 0.00001; ExAC 0.00004; 1000 Genomes Project 0.00020; 1000 Genomes Project 30x 0.00031.
gnomAD v4.1: 7 of 1,609,480 alleles (0.00043%); highest among the groups gnomAD compares: East Asian, 0.011%; no homozygotes.

Submission:

Labcorp Genetics (formerly Invitae), Labcorp
Classification: Uncertain significance for Deficiency of ferroxidase. Last evaluated: 2022-12-06. Review status: criteria provided, single submitter. Criteria: Invitae Variant Classification Sherloc (09022015). Collection method: clinical testing. Allele origin: germline.
Comment: This variant is present in population databases (rs576931228, gnomAD 0.02%). In summary, the available evidence is currently insufficient to determine the role of this variant in disease. Therefore, it has been classified as a Variant of Uncertain Significance. Advanced modeling of protein sequence and biophysical properties (such as structural, functional, and spatial information, amino acid conservation, physicochemical variation, residue mobility, and thermodynamic stability) performed at Invitae indicates that this missense variant is not expected to disrupt CP protein function. ClinVar contains an entry for this variant (Variation ID: 1495004). This variant has not been reported in the literature in individuals affected with CP-related conditions. This sequence change replaces tyrosine, which is neutral and polar, with cysteine, which is neutral and slightly polar, at codon 890 of the CP protein (p.Tyr890Cys).